The following is an entry in ClinVar:

ClinVar aggregate classification (germline): Uncertain significance (1 of 4 stars; one submission).

Conditions:
Hereditary cancer-predisposing syndrome. Also called: Tumor predisposition; Hereditary Cancer Syndrome; Neoplastic Syndromes, Hereditary; Hereditary neoplastic syndrome. Identifiers: Orphanet 140162, MedGen C0027672, MeSH D009386, MONDO:0015356.

Submission:

Ambry Genetics
Classification: Uncertain significance for Hereditary cancer-predisposing syndrome. Last evaluated: 2022-05-04. Review status: criteria provided, single submitter. Criteria: Ambry Variant Classification Scheme 2023. Collection method: clinical testing. Allele origin: germline.
Comment: The p.I859T variant (also known as c.2576T>C), located in coding exon 15 of the PMS2 gene, results from a T to C substitution at nucleotide position 2576. The isoleucine at codon 859 is replaced by threonine, an amino acid with similar properties. This amino acid position is conserved. In addition, the in silico prediction for this alteration is inconclusive. Since supporting evidence is limited at this time, the clinical significance of this alteration remains unclear.

NM_000535.7(PMS2):c.2576T>C (p.Ile859Thr)

Gene: PMS2 (PMS1 homolog 2, mismatch repair system component; minus strand). Cytogenetic location: 7p22.1.
Variant type: single nucleotide variant.
Coding change: c.2576T>C on transcript NM_000535.7 (MANE Select); coding-DNA position 2576, T replaced by C.
Protein change: p.Ile859Thr; replaces isoleucine 859 with threonine.
Molecular consequence: missense variant. On other transcripts: non-coding transcript variant (1).
Genome position (GRCh38, 1-based): chr7:5,973,412, A>G on the plus strand (T>C on the coding strand, the complement: PMS2 is on the minus strand). VCF-style: chr7-5973412-A-G. GRCh37 (hg19) VCF-style: chr7-6013043-A-G.
Other names: c.2171T>C, p.Ile724Thr (NM_001018040.1, NM_001322003.2, NM_001322004.2 and 12 more transcripts); c.2420T>C, p.Ile807Thr (NM_001322006.2); c.2258T>C, p.Ile753Thr (NM_001322007.2, NM_001322008.2, NM_001406883.1); c.2204T>C, p.Ile735Thr (NM_001322009.2, NM_001406887.1, NM_001406888.1); c.2015T>C, p.Ile672Thr (NM_001322010.2, NM_001406906.1, NM_001406907.1); c.1643T>C, p.Ile548Thr (NM_001322011.2, NM_001322012.2); c.2003T>C, p.Ile668Thr (NM_001322013.2, NM_001406908.1, NM_001406909.1); c.2609T>C, p.Ile870Thr (NM_001322014.2); and 20 more; short protein forms I548T, I620T, I751T, I793T, I867T, I921T, I668T, I697T.
Identifiers: ClinVar variation 1793314 (VCV001793314.2), dbSNP rs2128656703, ClinGen allele CA366734729.